The following is an entry in ClinVar:

NM_000179.3(MSH6):c.188C>T (p.Ser63Phe)

Gene: MSH6 (mutS homolog 6; plus strand). Cytogenetic location: 2p16.3.
Variant type: single nucleotide variant.
Coding change: c.188C>T on transcript NM_000179.3 (MANE Select); coding-DNA position 188, C replaced by T.
Protein change: p.Ser63Phe; replaces serine 63 with phenylalanine.
Molecular consequence: missense variant. On other transcripts: 5 prime UTR variant (1).
Genome position (GRCh38, 1-based): chr2:47,783,421, C>T. VCF-style: chr2-47783421-C-T. GRCh37 (hg19) VCF-style: chr2-48010560-C-T.
Other names: c.188C>T, p.Ser63Phe (NM_001281492.2); c.-549C>T (NM_001281493.2); c.188C>T (NM_000179.2); short protein forms S63F.
Identifiers: ClinVar variation 1053294 (VCV001053294.10), dbSNP rs587779920, ClinGen allele CA346735022.

ClinVar aggregate classification (germline): Uncertain significance. Review status: criteria provided, multiple submitters, no conflicts (2 of 4 stars). 2 submissions from 2 submitters: Uncertain significance (2). Last evaluated 2025-08-18.

Conditions:
Hereditary nonpolyposis colorectal neoplasms. Identifiers: MedGen C0009405, MeSH D003123.
Hereditary cancer-predisposing syndrome. Also called: Tumor predisposition; Hereditary neoplastic syndrome; Hereditary Cancer Syndrome; Neoplastic Syndromes, Hereditary. Identifiers: Orphanet 140162, MedGen C0027672, MeSH D009386, MONDO:0015356.

gnomAD v4.1: 1 of 1,509,420 alleles (0.000066%); highest among the groups gnomAD compares: Non-Finnish European, 0.000088%; no homozygotes.

Submissions (2):

Ambry Genetics
Classification: Uncertain significance for Hereditary cancer-predisposing syndrome. Last evaluated: 2025-08-18. Review status: criteria provided, single submitter. Criteria: Ambry Variant Classification Scheme 2023. Collection method: clinical testing. Allele origin: germline.
Comment: The p.S63F variant (also known as c.188C>T), located in coding exon 1 of the MSH6 gene, results from a C to T substitution at nucleotide position 188. The serine at codon 63 is replaced by phenylalanine, an amino acid with highly dissimilar properties. This amino acid position is not well conserved in available vertebrate species. In addition, this alteration is predicted to be tolerated by in silico analysis. Based on the available evidence, the clinical significance of this variant remains unclear.

Labcorp Genetics (formerly Invitae), Labcorp
Classification: Uncertain significance for Hereditary nonpolyposis colorectal neoplasms. Last evaluated: 2024-09-22. Review status: criteria provided, single submitter. Criteria: Invitae Variant Classification Sherloc (09022015). Collection method: clinical testing. Allele origin: germline.
Comment: This sequence change replaces serine, which is neutral and polar, with phenylalanine, which is neutral and non-polar, at codon 63 of the MSH6 protein (p.Ser63Phe). This variant is not present in population databases (gnomAD no frequency). This variant has not been reported in the literature in individuals affected with MSH6-related conditions. ClinVar contains an entry for this variant (Variation ID: 1053294). Invitae Evidence Modeling of protein sequence and biophysical properties (such as structural, functional, and spatial information, amino acid conservation, physicochemical variation, residue mobility, and thermodynamic stability) indicates that this missense variant is not expected to disrupt MSH6 protein function with a negative predictive value of 95%. In summary, the available evidence is currently insufficient to determine the role of this variant in disease. Therefore, it has been classified as a Variant of Uncertain Significance.